The following is an entry in ClinVar:

NM_022436.3(ABCG5):c.39G>C (p.Met13Ile)

Gene: ABCG5 (ATP binding cassette subfamily G member 5; minus strand). Cytogenetic location: 2p21.
Variant type: single nucleotide variant.
Coding change: c.39G>C on transcript NM_022436.3 (MANE Select); coding-DNA position 39, G replaced by C.
Protein change: p.Met13Ile; replaces methionine 13 with isoleucine.
Molecular consequence: missense variant.
Genome position (GRCh38, 1-based): chr2:43,838,641, C>G on the plus strand (G>C on the coding strand, the complement: ABCG5 is on the minus strand). VCF-style: chr2-43838641-C-G. GRCh37 (hg19) VCF-style: chr2-44065780-C-G.
Other names: short protein forms M13I.
Identifiers: ClinVar variation 1736878 (VCV001736878.3), dbSNP rs572875739, ClinGen allele CA1636814.

ClinVar aggregate classification (germline): Uncertain significance. Review status: criteria provided, multiple submitters, no conflicts (2 of 4 stars). 2 submissions from 2 submitters: Uncertain significance (2). Last evaluated 2023-08-07.

Conditions:
Cardiovascular phenotype. Identifiers: MedGen CN230736.

Submissions (2):

Women's Health and Genetics/Laboratory Corporation of America, LabCorp
Classification: Uncertain significance. Last evaluated: 2023-08-07. Review status: criteria provided, single submitter. Criteria: LabCorp Variant Classification Summary - May 2015. Collection method: clinical testing. Allele origin: germline.

Ambry Genetics
Classification: Uncertain significance for Cardiovascular phenotype. Last evaluated: 2021-07-30. Review status: criteria provided, single submitter. Criteria: Ambry Variant Classification Scheme 2023. Collection method: clinical testing. Allele origin: germline.
Comment: The p.M13I variant (also known as c.39G>C), located in coding exon 1 of the ABCG5 gene, results from a G to C substitution at nucleotide position 39. The methionine at codon 13 is replaced by isoleucine, an amino acid with highly similar properties. This amino acid position is conserved. In addition, this alteration is predicted to be tolerated by in silico analysis. Since supporting evidence is limited at this time, the clinical significance of this alteration remains unclear.